The following is an entry in ClinVar:

NM_006009.4(TUBA1A):c.389C>T (p.Thr130Met)

Gene: TUBA1A (tubulin alpha 1a; minus strand). Cytogenetic location: 12q13.12.
Variant type: single nucleotide variant.
Coding change: c.389C>T on transcript NM_006009.4 (MANE Select); coding-DNA position 389, C replaced by T.
Protein change: p.Thr130Met; replaces threonine 130 with methionine.
Molecular consequence: missense variant.
Genome position (GRCh38, 1-based): chr12:49,185,977, G>A on the plus strand (C>T on the coding strand, the complement: TUBA1A is on the minus strand). VCF-style: chr12-49185977-G-A. GRCh37 (hg19) VCF-style: chr12-49579760-G-A.
Other names: c.389C>T, p.Thr130Met (NM_001270399.2); c.284C>T, p.Thr95Met (NM_001270400.2); short protein forms T130M, T95M.
Identifiers: ClinVar variation 3257533 (VCV003257533.17).

ClinVar aggregate classification (germline): Uncertain significance (1 of 4 stars; one submission).

Submission:

CeGaT Center for Human Genetics Tuebingen
Classification: Uncertain significance. Last evaluated: 2024-07-01. Review status: criteria provided, single submitter. Criteria: CeGaT Center For Human Genetics Tuebingen Variant Classification Criteria Version 2. Collection method: clinical testing. Allele origin: germline. Affected: yes. Observed: 1 variant allele.
Comment: TUBA1A: PM2, PP2